The following is an entry in ClinVar:

NM_002485.5(NBN):c.1265C>G (p.Ala422Gly)

Gene: NBN (nibrin; minus strand). Cytogenetic location: 8q21.3.
Variant type: single nucleotide variant.
Coding change: c.1265C>G on transcript NM_002485.5 (MANE Select); coding-DNA position 1265, C replaced by G.
Protein change: p.Ala422Gly; replaces alanine 422 with glycine.
Molecular consequence: missense variant.
Genome position (GRCh38, 1-based): chr8:89,955,415, G>C on the plus strand (C>G on the coding strand, the complement: NBN is on the minus strand). VCF-style: chr8-89955415-G-C. GRCh37 (hg19) VCF-style: chr8-90967643-G-C.
Other names: c.1019C>G, p.Ala340Gly (NM_001024688.3); short protein forms A340G, A422G.
Identifiers: ClinVar variation 955975 (VCV000955975.14), dbSNP rs1810660625, ClinGen allele CA371656239.

ClinVar aggregate classification (germline): Uncertain significance. Review status: criteria provided, multiple submitters, no conflicts (2 of 4 stars). 3 submissions from 3 submitters: Uncertain significance (3). Last evaluated 2026-04-05.

Conditions:
Microcephaly, normal intelligence and immunodeficiency (NBS). Also called: BERLIN BREAKAGE SYNDROME; Nijmegen breakage syndrome; Microcephaly with normal intelligence immunodeficiency and lymphoreticular malignancies; Nonsyndromal microcephaly autosomal recessive with normal intelligence; Seemanova syndrome 2; SEEMANOVA SYNDROME II. Identifiers: Orphanet 647, MedGen C0398791, MONDO:0009623, OMIM 251260.
Hereditary cancer-predisposing syndrome. Also called: Hereditary Cancer Syndrome; Tumor predisposition; Neoplastic Syndromes, Hereditary; Hereditary neoplastic syndrome. Identifiers: Orphanet 140162, MedGen C0027672, MeSH D009386, MONDO:0015356.

Submissions (3):

Dasa
Classification: Uncertain significance. Last evaluated: 2026-04-05. Review status: criteria provided, single submitter. Criteria: DASA Assertion Criteria. Collection method: clinical testing. Allele origin: germline.
Comment: NM_002485.5(NBN):c.1265C>G (p.Ala422Gly) is a missense variant that results in the substitution of alanine with glycine. Multiple computational predictions support a deleterious effect on the gene or gene product. The variant is present at low frequency in population datasets. Based on the available data, this variant is classified as variant of uncertain significance.

Ambry Genetics
Classification: Uncertain significance for Hereditary cancer-predisposing syndrome. Last evaluated: 2025-10-03. Review status: criteria provided, single submitter. Criteria: Ambry Variant Classification Scheme 2023. Collection method: clinical testing. Allele origin: germline.
Comment: The p.A422G variant (also known as c.1265C>G), located in coding exon 10 of the NBN gene, results from a C to G substitution at nucleotide position 1265. The alanine at codon 422 is replaced by glycine, an amino acid with similar properties. This amino acid position is conserved. In addition, this alteration is predicted to be tolerated by in silico analysis. Since supporting evidence is limited at this time, the clinical significance of this alteration remains unclear.

Labcorp Genetics (formerly Invitae), Labcorp
Classification: Uncertain significance for Microcephaly, normal intelligence and immunodeficiency. Last evaluated: 2022-10-31. Review status: criteria provided, single submitter. Criteria: Invitae Variant Classification Sherloc (09022015). Collection method: clinical testing. Allele origin: germline.
Comment: In summary, the available evidence is currently insufficient to determine the role of this variant in disease. Therefore, it has been classified as a Variant of Uncertain Significance. RNA analysis performed to evaluate the impact of this missense change on mRNA splicing indicates it does not significantly alter splicing (Invitae). Algorithms developed to predict the effect of missense changes on protein structure and function output the following: SIFT: "Tolerated"; PolyPhen-2: "Benign"; Align-GVGD: "Class C0". The glycine amino acid residue is found in multiple mammalian species, which suggests that this missense change does not adversely affect protein function. ClinVar contains an entry for this variant (Variation ID: 955975). This variant has not been reported in the literature in individuals affected with NBN-related conditions. This variant is not present in population databases (gnomAD no frequency). This sequence change replaces alanine, which is neutral and non-polar, with glycine, which is neutral and non-polar, at codon 422 of the NBN protein (p.Ala422Gly).